The following is an entry in ClinVar:

NM_000186.4(CFH):c.530T>C (p.Val177Ala)

Gene: CFH (complement factor H; plus strand). Cytogenetic location: 1q31.3.
Variant type: single nucleotide variant.
Coding change: c.530T>C on transcript NM_000186.4 (MANE Select); coding-DNA position 530, T replaced by C.
Protein change: p.Val177Ala; replaces valine 177 with alanine.
Molecular consequence: missense variant.
Genome position (GRCh38, 1-based): chr1:196,677,578, T>C. VCF-style: chr1-196677578-T-C. GRCh37 (hg19) VCF-style: chr1-196646708-T-C.
Other names: c.530T>C, p.Val177Ala (NM_001014975.3); short protein forms V177A.
Identifiers: ClinVar variation 1905853 (VCV001905853.6), dbSNP rs189411907, ClinGen allele CA1305086.

ClinVar aggregate classification (germline): Uncertain significance. Review status: criteria provided, multiple submitters, no conflicts (2 of 4 stars). 2 submissions from 2 submitters: Uncertain significance (2). Last evaluated 2025-10-27.

Conditions:
Basal laminar drusen. Also called: DRUSEN OF BRUCH MEMBRANE; DRUSEN, CUTICULAR; DRUSEN, EARLY ADULT-ONSET, GROUPED. Identifiers: Orphanet 75376, MedGen C0730295, MONDO:0007472, OMIM 126700.
Age related macular degeneration 4. Identifiers: MedGen C1853147, MONDO:0012540, OMIM 610698.
Factor H deficiency (CFHD). Also called: COMPLEMENT FACTOR H DEFICIENCY; CFH DEFICIENCY. Identifiers: Orphanet 200421, MedGen C0398777, MONDO:0012350, OMIM 609814.
Hemolytic uremic syndrome, atypical, susceptibility to, 1. Also called: AHUS, SUSCEPTIBILITY TO, 1. Identifiers: Orphanet 2134, Orphanet 90038, MedGen C2749604, MONDO:0009335, OMIM 235400. Disease mechanism: Other.

Allele frequency attached by ClinVar (database versions not stated): ExAC 0.00001; TOPMed 0.00004; gnomAD 0.00005; 1000 Genomes Project 30x 0.00016; 1000 Genomes Project 0.00020.
gnomAD v4.1: 29 of 1,613,380 alleles (0.0018%); highest among the groups gnomAD compares: African/African-American, 0.032%; no homozygotes.

Submissions (2):

Labcorp Genetics (formerly Invitae), Labcorp
Classification: Uncertain significance. Last evaluated: 2025-10-27. Review status: criteria provided, single submitter. Criteria: Invitae Variant Classification Sherloc (09022015). Collection method: clinical testing. Allele origin: germline.
Comment: This sequence change replaces valine, which is neutral and non-polar, with alanine, which is neutral and non-polar, at codon 177 of the CFH protein (p.Val177Ala). This variant is present in population databases (rs189411907, gnomAD 0.02%). This variant has not been reported in the literature in individuals affected with CFH-related conditions. ClinVar contains an entry for this variant (Variation ID: 1905853). An algorithm developed to predict the effect of missense changes on protein structure and function outputs the following: PolyPhen-2: "Benign". The alanine amino acid residue is found in multiple mammalian species, which suggests that this missense change does not adversely affect protein function. In summary, the available evidence is currently insufficient to determine the role of this variant in disease. Therefore, it has been classified as a Variant of Uncertain Significance.

Fulgent Genetics
Classification: Uncertain significance for Basal laminar drusen; Hemolytic uremic syndrome, atypical, susceptibility to, 1; Factor H deficiency; Age related macular degeneration 4. Last evaluated: 2024-05-24. Review status: criteria provided, single submitter. Criteria: ACMG Guidelines, 2015. Collection method: clinical testing. Allele origin: germline.